The following is an entry in ClinVar:

NM_006206.6(PDGFRA):c.2953G>A (p.Asp985Asn)

Gene: PDGFRA (platelet derived growth factor receptor alpha; plus strand). Cytogenetic location: 4q12.
Variant type: single nucleotide variant.
Coding change: c.2953G>A on transcript NM_006206.6 (MANE Select); coding-DNA position 2953, G replaced by A.
Protein change: p.Asp985Asn; replaces aspartic acid 985 with asparagine.
Molecular consequence: missense variant.
Genome position (GRCh38, 1-based): chr4:54,290,385, G>A. VCF-style: chr4-54290385-G-A. GRCh37 (hg19) VCF-style: chr4-55156552-G-A.
Other names: c.2953G>A (NM_006206.5); c.3028G>A, p.Asp1010Asn (NM_001347828.2); c.2953G>A, p.Asp985Asn (NM_001347829.2); c.2992G>A, p.Asp998Asn (NM_001347830.2); short protein forms D985N, D1010N, D998N.
Identifiers: ClinVar variation 407436 (VCV000407436.18), dbSNP rs1060501516, ClinGen allele CA16611567.

ClinVar aggregate classification (germline): Uncertain significance. Review status: criteria provided, multiple submitters, no conflicts (2 of 4 stars). 5 submissions from 5 submitters: Uncertain significance (5). Last evaluated 2026-02-03.

Conditions:
PDGFRA-related disorder. Also called: PDGFRA-related condition.
Polyps, multiple and recurrent inflammatory fibroid, gastrointestinal. Identifiers: MedGen C5193005, MONDO:0008285, OMIM 175510.
Hereditary cancer-predisposing syndrome. Also called: Neoplastic Syndromes, Hereditary; Tumor predisposition; Hereditary Cancer Syndrome; Hereditary neoplastic syndrome. Identifiers: Orphanet 140162, MedGen C0027672, MeSH D009386, MONDO:0015356.
Gastrointestinal stromal tumor. Also called: Gastrointestinal stroma tumor; Gastrointestinal stromal tumor, somatic. Identifiers: Orphanet 44890, MedGen C0238198, MeSH D046152, MONDO:0011719, OMIM 606764, HP:0100723.

Allele frequency attached by ClinVar (database versions not stated): TOPMed below 0.00001.
gnomAD v4.1: 4 of 1,613,442 alleles (0.00025%); no homozygotes.

Submissions (5):

Labcorp Genetics (formerly Invitae), Labcorp
Classification: Uncertain significance for Gastrointestinal stromal tumor. Last evaluated: 2026-02-03. Review status: criteria provided, single submitter. Criteria: Invitae Variant Classification Sherloc (09022015). Collection method: clinical testing. Allele origin: germline.
Comment: This sequence change replaces aspartic acid, which is acidic and polar, with asparagine, which is neutral and polar, at codon 985 of the PDGFRA protein (p.Asp985Asn). This variant is not present in population databases (gnomAD no frequency). This variant has not been reported in the literature in individuals affected with PDGFRA-related conditions. ClinVar contains an entry for this variant (Variation ID: 407436). Invitae Evidence Modeling of protein sequence and biophysical properties (such as structural, functional, and spatial information, amino acid conservation, physicochemical variation, residue mobility, and thermodynamic stability) indicates that this missense variant is not expected to disrupt PDGFRA protein function with a negative predictive value of 80%. In summary, the available evidence is currently insufficient to determine the role of this variant in disease. Therefore, it has been classified as a Variant of Uncertain Significance.

PreventionGenetics, part of Exact Sciences
Classification: Uncertain significance for PDGFRA-related condition. Last evaluated: 2025-09-18. Review status: criteria provided, single submitter. Criteria: ACMG Guidelines, 2015. Collection method: clinical testing. Allele origin: germline.
Comment: The PDGFRA c.2953G>A variant is predicted to result in the amino acid substitution p.Asp985Asn. To our knowledge, this variant has not been reported in the literature or in a large population database, indicating this variant is rare. In ClinVar, this variant is interpreted as uncertain (Variation: 407436). At this time, the clinical significance of this variant is uncertain due to the absence of conclusive functional and genetic evidence.

Ambry Genetics
Classification: Uncertain significance for Hereditary cancer-predisposing syndrome. Last evaluated: 2025-08-25. Review status: criteria provided, single submitter. Criteria: Ambry Variant Classification Scheme 2023. Collection method: clinical testing. Allele origin: germline.
Comment: The p.D985N variant (also known as c.2953G>A), located in coding exon 21 of the PDGFRA gene, results from a G to A substitution at nucleotide position 2953. The aspartic acid at codon 985 is replaced by asparagine, an amino acid with highly similar properties. This amino acid position is highly conserved in available vertebrate species. In addition, this alteration is predicted to be tolerated by in silico analysis. Based on the available evidence, the clinical significance of this variant remains unclear.

Baylor Genetics
Classification: Uncertain significance for Polyps, multiple and recurrent inflammatory fibroid, gastrointestinal. Last evaluated: 2024-02-08. Review status: criteria provided, single submitter. Criteria: ACMG Guidelines, 2015. Collection method: clinical testing. Allele origin: unknown.

GeneDx
Classification: Uncertain significance. Last evaluated: 2023-10-24. Review status: criteria provided, single submitter. Criteria: GeneDx Variant Classification Process June 2021. Collection method: clinical testing. Allele origin: germline. Affected: yes.
Comment: Not observed in large population cohorts (gnomAD); In silico analysis supports that this missense variant does not alter protein structure/function; Has not been previously published as pathogenic or benign to our knowledge